The following is an entry in ClinVar:

NM_033305.3(VPS13A):c.8494_8495insTT (p.Tyr2832fs)

Gene: VPS13A (vacuolar protein sorting 13 homolog A; plus strand). Cytogenetic location: 9q21.2.
Variant type: Insertion.
Coding change: c.8494_8495insTT on transcript NM_033305.3 (MANE Select); coding-DNA positions 8494 to 8495, TT inserted.
Protein change: p.Tyr2832fs; shifts the reading frame from tyrosine 2832.
Molecular consequence: frameshift variant.
Genome position: GRCh38 VCF-style: chr9-77368076-C-CTT. GRCh37 (hg19) VCF-style: chr9-79982992-C-CTT.
Other names: c.8377_8378insTT, p.Tyr2793fs (NM_001018037.2); c.8494_8495insTT, p.Tyr2832fs (NM_001018038.3, NM_015186.4); short protein forms Y2832fs, Y2793fs.
Identifiers: ClinVar variation 3011308 (VCV003011308.3), dbSNP rs2538191114, ClinGen allele CA2690391715.
Genomic context (GRCh38, chr9:77,368,076, plus strand): 5'-TACACATGTACAGACAATATATTTTTACGCTTTTTTCAGGCTTGCATTTTTTGAACTCAA[C>CTT]TATCAGTTCCATACAACATCCGATCTACAGTCTGAAGTCATAAGACACTATTCAAAACAG-3'

ClinVar aggregate classification (germline): Pathogenic (1 of 4 stars; one submission).

Submission:

Labcorp Genetics (formerly Invitae), Labcorp
Classification: Pathogenic. Last evaluated: 2023-09-12. Review status: criteria provided, single submitter. Criteria: Invitae Variant Classification Sherloc (09022015). Collection method: clinical testing. Allele origin: germline.
Comment: This sequence change creates a premature translational stop signal (p.Tyr2832Phefs*15) in the VPS13A gene. It is expected to result in an absent or disrupted protein product. Loss-of-function variants in VPS13A are known to be pathogenic (PMID: 12404112, 21598378). This variant is not present in population databases (gnomAD no frequency). This variant has not been reported in the literature in individuals affected with VPS13A-related conditions. For these reasons, this variant has been classified as Pathogenic.

Literature cited by the submitters: PubMed 12404112; PubMed 21598378.